The following is an entry in ClinVar:

NM_015158.5(KANK1):c.35C>T (p.Ser12Leu)

Genes: KANK1 (KN motif and ankyrin repeat domains 1; plus strand), KANK1-AS1 (KANK1 antisense RNA 1; minus strand). Cytogenetic location: 9p24.3.
Variant type: single nucleotide variant.
Coding change: c.35C>T on transcript NM_015158.5 (MANE Select); coding-DNA position 35, C replaced by T.
Protein change: p.Ser12Leu; replaces serine 12 with leucine.
Molecular consequence: missense variant. On other transcripts: 5 prime UTR variant (1).
Genome position (GRCh38, 1-based): chr9:677,007, C>T. VCF-style: chr9-677007-C-T. GRCh37 (hg19) VCF-style: chr9-677007-C-T.
Other names: c.35C>T, p.Ser12Leu (NM_001256876.3, NM_001256877.3, NM_001354331.2 and 2 more transcripts); c.-473C>T (NM_001354333.2); short protein forms S12L.
Identifiers: ClinVar variation 2729115 (VCV002729115.3), dbSNP rs140469008, ClinGen allele CA4959804.

ClinVar aggregate classification (germline): Uncertain significance (1 of 4 stars; one submission).

Allele frequency attached by ClinVar (database versions not stated): ExAC 0.00002; gnomAD 0.00005; TOPMed 0.00005; ESP Exome Variant Server 0.00008.
gnomAD v4.1: 170 of 1,613,448 alleles (0.011%); highest among the groups gnomAD compares: Admixed American, 0.015%; no homozygotes.

Submission:

Labcorp Genetics (formerly Invitae), Labcorp
Classification: Uncertain significance. Last evaluated: 2024-08-30. Review status: criteria provided, single submitter. Criteria: Invitae Variant Classification Sherloc (09022015). Collection method: clinical testing. Allele origin: germline.
Comment: This sequence change replaces serine, which is neutral and polar, with leucine, which is neutral and non-polar, at codon 12 of the KANK1 protein (p.Ser12Leu). This variant is present in population databases (rs140469008, gnomAD 0.02%). This variant has not been reported in the literature in individuals affected with KANK1-related conditions. An algorithm developed to predict the effect of missense changes on protein structure and function (PolyPhen-2) suggests that this variant is likely to be tolerated. Algorithms developed to predict the effect of sequence changes on RNA splicing suggest that this variant may disrupt the consensus splice site. In summary, the available evidence is currently insufficient to determine the role of this variant in disease. Therefore, it has been classified as a Variant of Uncertain Significance.